The following is an entry in ClinVar:

NM_001127208.3(TET2):c.2674C>G (p.Gln892Glu)

Genes: TET2 (tet methylcytosine dioxygenase 2; plus strand), TET2-AS1 (TET2 antisense RNA 1; minus strand). Cytogenetic location: 4q24.
Variant type: single nucleotide variant.
Coding change: c.2674C>G on transcript NM_001127208.3 (MANE Select); coding-DNA position 2674, C replaced by G.
Protein change: p.Gln892Glu; replaces glutamine 892 with glutamic acid.
Molecular consequence: missense variant.
Genome position (GRCh38, 1-based): chr4:105,236,616, C>G. VCF-style: chr4-105236616-C-G. GRCh37 (hg19) VCF-style: chr4-106157773-C-G.
Other names: c.2674C>G, p.Gln892Glu (NM_017628.4); short protein forms Q892E.
Identifiers: ClinVar variation 4183039 (VCV004183039.1).

ClinVar aggregate classification (germline): Uncertain significance (1 of 4 stars; one submission).

gnomAD v4.1: 2 of 1,614,090 alleles (0.00012%); highest among the groups gnomAD compares: Non-Finnish European, 0.00017%; no homozygotes.

Submission:

Ambry Genetics
Classification: Uncertain significance. Last evaluated: 2025-08-29. Review status: criteria provided, single submitter. Criteria: Ambry Variant Classification Scheme 2023. Collection method: clinical testing. Allele origin: germline.
Comment: The p.Q892E variant (also known as c.2674C>G), located in coding exon 1 of the TET2 gene, results from a C to G substitution at nucleotide position 2674. The glutamine at codon 892 is replaced by glutamic acid, an amino acid with highly similar properties. This amino acid position is conserved. In addition, this alteration is predicted to be tolerated by in silico analysis. Based on the available evidence, the clinical significance of this variant remains unclear.